The following is an entry in ClinVar:

ClinVar aggregate classification (germline): Pathogenic. Review status: criteria provided, multiple submitters, no conflicts (2 of 4 stars). 4 submissions from 4 submitters: Pathogenic (3). 1 of the submissions does not count toward it. Last evaluated 2024-12-07.

Conditions:
Congenital disorder of glycosylation, type IIw. Identifiers: MedGen C5561986, MONDO:0030437, OMIM 619525.
Glucose-6-phosphate transport defect (GSD1B). Also called: Glycogen Storage Disease Type Ib; GSD Ib. Identifiers: Orphanet 364, Orphanet 79259, MedGen C0268146, MONDO:0009288, OMIM 232220.

Allele frequency attached by ClinVar (database versions not stated): gnomAD exomes below 0.00001 and 0.00001.

Submissions (4):

Labcorp Genetics (formerly Invitae), Labcorp
Classification: Pathogenic for Glucose-6-phosphate transport defect. Last evaluated: 2024-12-07. Review status: criteria provided, single submitter. Criteria: Invitae Variant Classification Sherloc (09022015). Collection method: clinical testing. Allele origin: germline.
Comment: This sequence change replaces cysteine, which is neutral and slightly polar, with arginine, which is basic and polar, at codon 183 of the SLC37A4 protein (p.Cys183Arg). This variant is present in population databases (rs193302893, gnomAD 0.0009%). This missense change has been observed in individual(s) with glycogen storage disease (PMID: 10482962, 10518030, 15906092, 16435186). In at least one individual the data is consistent with being in trans (on the opposite chromosome) from a pathogenic variant. It has also been observed to segregate with disease in related individuals. This variant is also known as T716C, c.716T>C. ClinVar contains an entry for this variant (Variation ID: 68284). Invitae Evidence Modeling of protein sequence and biophysical properties (such as structural, functional, and spatial information, amino acid conservation, physicochemical variation, residue mobility, and thermodynamic stability) indicates that this missense variant is expected to disrupt SLC37A4 protein function with a positive predictive value of 80%. Experimental studies have shown that this missense change affects SLC37A4 function (PMID: 12444104, 18835800). For these reasons, this variant has been classified as Pathogenic.

Department of Pathology and Laboratory Medicine, Sinai Health System
Classification: Pathogenic for Congenital disorder of glycosylation, type IIw. Last evaluated: 2022-11-21. Review status: criteria provided, single submitter. Criteria: ACMG Guidelines, 2015. Collection method: research. Allele origin: germline.

Women's Health and Genetics/Laboratory Corporation of America, LabCorp
Classification: Pathogenic for Glucose-6-phosphate transport defect. Last evaluated: 2022-01-22. Review status: criteria provided, single submitter. Criteria: LabCorp Variant Classification Summary - May 2015. Collection method: clinical testing. Allele origin: germline.
Comment: Variant summary: SLC37A4 c.547T>C, legacy nucleotide naming as T716C in exon 3 (p.Cys183Arg) results in a non-conservative amino acid change located in the Major facilitator superfamily domain (IPR020846) of the encoded protein sequence. Two of two in-silico tools predict a damaging effect of the variant on protein function while three in-silico tools did not provide a prediction. The variant allele was found at a frequency of 4.2e-06 in 240882 control chromosomes. c.547T>C has been reported in the literature as a compound heterozygous genotype in multiple individuals affected with Glycogen Storage Disease Type Ib (example, Veiga-da-Cunha_1999, Galli_1999, Hiraiwa_1999, Janecke_2000, Sperb-Ludwig_2019). These data indicate that the variant is very likely to be associated with disease. Multiple publications report experimental evidence evaluating an impact on protein function (example, Hiraiwa_1999, Chen_2002). The most pronounced variant effect results in a complete disruption of microsomal glucose-6-phosphate (G6P) uptake resulting from defective transport. No clinical diagnostic laboratories have submitted clinical-significance assessments for this variant to ClinVar after 2014. Based on the evidence outlined above, the variant was classified as pathogenic.

UniProtKB/Swiss-Prot
No classification provided. Review status: no classification provided. Collection method: not provided. Allele origin: germline. Not counted in ClinVar's aggregate classification.

Literature cited by the submitters: PubMed 10482962 (cited by Labcorp Genetics (formerly Invitae), Labcorp and Women's Health and Genetics/Laboratory Corporation of America, LabCorp); PubMed 10518030 (cited by Labcorp Genetics (formerly Invitae), Labcorp and Women's Health and Genetics/Laboratory Corporation of America, LabCorp); PubMed 15906092 (cited by Labcorp Genetics (formerly Invitae), Labcorp); PubMed 16435186 (cited by Labcorp Genetics (formerly Invitae), Labcorp); PubMed 12444104 (cited by Labcorp Genetics (formerly Invitae), Labcorp and Women's Health and Genetics/Laboratory Corporation of America, LabCorp); PubMed 18835800 (cited by Labcorp Genetics (formerly Invitae), Labcorp); PubMed 10026167 (cited by Women's Health and Genetics/Laboratory Corporation of America, LabCorp); PubMed 11071391 (cited by Women's Health and Genetics/Laboratory Corporation of America, LabCorp); PubMed 31508908 (cited by Women's Health and Genetics/Laboratory Corporation of America, LabCorp).

NM_001164277.2(SLC37A4):c.547T>C (p.Cys183Arg)

Gene: SLC37A4 (solute carrier family 37 member 4; minus strand). Cytogenetic location: 11q23.3.
Variant type: single nucleotide variant.
Coding change: c.547T>C on transcript NM_001164277.2 (MANE Select); coding-DNA position 547, T replaced by C.
Protein change: p.Cys183Arg; replaces cysteine 183 with arginine.
Molecular consequence: missense variant.
Genome position (GRCh38, 1-based): chr11:119,027,706, A>G on the plus strand (T>C on the coding strand, the complement: SLC37A4 is on the minus strand). VCF-style: chr11-119027706-A-G. GRCh37 (hg19) VCF-style: chr11-118898416-A-G.
Other names: c.547T>C, p.Cys183Arg (NM_001164278.2, NM_001164280.2, NM_001467.6); c.328T>C, p.Cys110Arg (NM_001164279.2); short protein forms C183R, C110R.
Identifiers: ClinVar variation 68284 (VCV000068284.7), dbSNP rs193302893, ClinGen allele CA219331.
Genomic context (GRCh38, chr11:119,027,706, plus strand): 5'-GCATGGGGTCCAGGTTGCGGAGTCCAACATCAGCAGGTTCATTGTGGATGAGCAGGAGAC[A>G]GAGGAAGGAGACAACCACACCACAGTGCCCCAGATAGGGCCAGCGTGCTGCGCCAGCTGT-3'
Protein context (NP_001157749.1, residues 173-193): GALCVVVSFL[Cys183Arg]LLLIHNEPAD